The following is an entry in ClinVar:

ClinVar aggregate classification (germline): Likely benign (1 of 4 stars; one submission).

gnomAD v4.1: 3,044 of 1,610,450 alleles (0.19%); highest among the groups gnomAD compares: Non-Finnish European, 0.24%; 4 homozygotes.

Submission:

Mayo Clinic Laboratories, Mayo Clinic
Classification: Likely benign. Last evaluated: 2025-06-03. Review status: criteria provided, single submitter. Criteria: ACMG Guidelines, 2015. Collection method: clinical testing. Allele origin: germline. Observed: 1 variant allele.
Comment: BP4, BP7, PM2_supporting

NM_003442.6(ZNF143):c.1525-25C>A

Gene: ZNF143 (zinc finger protein 143; plus strand). Cytogenetic location: 11p15.4.
Variant type: single nucleotide variant.
Coding change: c.1525-25C>A on transcript NM_003442.6 (MANE Select); 25 bases into the intron before coding-DNA position 1525, C replaced by A.
Molecular consequence: intron variant.
Genome position (GRCh38, 1-based): chr11:9,516,176, C>A. VCF-style: chr11-9516176-C-A. GRCh37 (hg19) VCF-style: chr11-9537723-C-A.
Other names: p.?; c.1522-25C>A (NM_001282656.2); c.1432-25C>A (NM_001282657.2).
Identifiers: ClinVar variation 4683596 (VCV004683596.1).
Genomic context (GRCh38, chr11:9,516,176, plus strand): 5'-TACAAGGATTAGTCCTGGTCCTTATGGAAGATTGTCAGCTATAACAAGAAACATTGACTG[C>A]TTTGTAAAATTCACTGTATTGCAGGTCAACATATCTCAAGCTGACATGCAGGCCATTGGC-3'